The following is an entry in ClinVar:

ClinVar aggregate classification (germline): Uncertain significance. Review status: criteria provided, multiple submitters, no conflicts (2 of 4 stars). 3 submissions from 3 submitters: Uncertain significance (3). Last evaluated 2024-12-24.

Conditions:
Arrhythmogenic right ventricular dysplasia 10. Also called: Arrhythmogenic Right Ventricular Dysplasia/Cardiomyopathy10; ARRHYTHMOGENIC RIGHT VENTRICULAR DYSPLASIA, FAMILIAL, 10; Arrhythmogenic right ventricular dysplasia/cardiomyopathy, type 10. Identifiers: MedGen C1857777, MONDO:0012434, OMIM 610193.
Cardiovascular phenotype. Identifiers: MedGen CN230736.
Arrhythmogenic right ventricular cardiomyopathy (ARVD). Also called: Cardiomyopathy, ARVC; Arrhythmogenic right ventricular dysplasia; Arrhythmogenic cardiomyopathy; Arrhythmogenic Right Ventricular Cardiomyopathy (ARVC). Identifiers: Orphanet 247, MedGen C0349788, MeSH D019571, MONDO:0016587. Disease mechanism: loss of function. Inheritance: Various modes of inheritance.

Allele frequency attached by ClinVar (database versions not stated): gnomAD exomes below 0.00001; TOPMed below 0.00001; gnomAD 0.00001.
gnomAD v4.1: 2 of 1,603,572 alleles (0.00012%); highest among the groups gnomAD compares: Admixed American, 0.0017%; no homozygotes.

Submissions (3):

Labcorp Genetics (formerly Invitae), Labcorp
Classification: Uncertain significance for Arrhythmogenic right ventricular dysplasia 10. Last evaluated: 2024-12-24. Review status: criteria provided, single submitter. Criteria: Invitae Variant Classification Sherloc (09022015). Collection method: clinical testing. Allele origin: germline.
Comment: This sequence change replaces leucine, which is neutral and non-polar, with phenylalanine, which is neutral and non-polar, at codon 961 of the DSG2 protein (p.Leu961Phe). This variant is not present in population databases (gnomAD no frequency). This variant has not been reported in the literature in individuals affected with DSG2-related conditions. ClinVar contains an entry for this variant (Variation ID: 1797182). Invitae Evidence Modeling of protein sequence and biophysical properties (such as structural, functional, and spatial information, amino acid conservation, physicochemical variation, residue mobility, and thermodynamic stability) has been performed for this missense variant. However, the output from this modeling did not meet the statistical confidence thresholds required to predict the impact of this variant on DSG2 protein function. In summary, the available evidence is currently insufficient to determine the role of this variant in disease. Therefore, it has been classified as a Variant of Uncertain Significance.

All of Us Research Program, National Institutes of Health
Classification: Uncertain significance for Arrhythmogenic right ventricular cardiomyopathy. Last evaluated: 2023-05-31. Review status: criteria provided, single submitter. Criteria: ACMG Guidelines, 2015. Collection method: clinical testing. Allele origin: germline. Inheritance: Autosomal dominant inheritance. Observed: 1 variant allele, 1 heterozygote.
Comment: This study involves interpretation of variants in research participants for the purpose of population health screening. Participant phenotype was not available at the time of variant classification. Additional details can be found in publication PMID: 35346344, PMCID: PMC8962531

Ambry Genetics
Classification: Uncertain significance for Cardiovascular phenotype. Last evaluated: 2018-05-06. Review status: criteria provided, single submitter. Criteria: Ambry Variant Classification Scheme 2023. Collection method: clinical testing. Allele origin: germline.
Comment: The p.L961F variant (also known as c.2881C>T), located in coding exon 15 of the DSG2 gene, results from a C to T substitution at nucleotide position 2881. The leucine at codon 961 is replaced by phenylalanine, an amino acid with highly similar properties. This amino acid position is well conserved in available vertebrate species. In addition, the in silico prediction for this alteration is inconclusive. Since supporting evidence is limited at this time, the clinical significance of this alteration remains unclear.

NM_001943.5(DSG2):c.2881C>T (p.Leu961Phe)

Genes: DSG2 (desmoglein 2; plus strand), DSG2-AS1 (DSG2 antisense RNA 1; minus strand). Cytogenetic location: 18q12.1.
Variant type: single nucleotide variant.
Coding change: c.2881C>T on transcript NM_001943.5 (MANE Select); coding-DNA position 2881, C replaced by T.
Protein change: p.Leu961Phe; replaces leucine 961 with phenylalanine.
Molecular consequence: missense variant.
Genome position (GRCh38, 1-based): chr18:31,546,267, C>T. VCF-style: chr18-31546267-C-T. GRCh37 (hg19) VCF-style: chr18-29126230-C-T.
Other names: short protein forms L961F.
Identifiers: ClinVar variation 1797182 (VCV001797182.8), dbSNP rs1300845863, ClinGen allele CA402147224.